The following is an entry in ClinVar:

ClinVar aggregate classification (germline): Uncertain significance (1 of 4 stars; one submission).

Allele frequency attached by ClinVar (database versions not stated): TOPMed below 0.00001; 1000 Genomes Project 30x 0.00016; 1000 Genomes Project 0.00020; gnomAD 0.00001.
gnomAD v4.1: 7 of 1,613,834 alleles (0.00043%); highest among the groups gnomAD compares: Non-Finnish European, 0.00059%; no homozygotes.

Submission:

Ambry Genetics
Classification: Uncertain significance. Last evaluated: 2025-10-06. Review status: criteria provided, single submitter. Criteria: Ambry Variant Classification Scheme 2023. Collection method: clinical testing. Allele origin: germline.
Comment: The p.P443A variant (also known as c.1327C>G), located in coding exon 7 of the GALNT12 gene, results from a C to G substitution at nucleotide position 1327. The proline at codon 443 is replaced by alanine, an amino acid with highly similar properties. This amino acid position is conserved. In addition, this alteration is predicted to be tolerated by in silico analysis. Since supporting evidence is limited at this time, the clinical significance of this alteration remains unclear.

NM_024642.5(GALNT12):c.1327C>G (p.Pro443Ala)

Gene: GALNT12 (polypeptide N-acetylgalactosaminyltransferase 12; plus strand). Cytogenetic location: 9q22.33.
Variant type: single nucleotide variant.
Coding change: c.1327C>G on transcript NM_024642.5 (MANE Select); coding-DNA position 1327, C replaced by G.
Protein change: p.Pro443Ala; replaces proline 443 with alanine.
Molecular consequence: missense variant.
Genome position (GRCh38, 1-based): chr9:98,840,116, C>G. VCF-style: chr9-98840116-C-G. GRCh37 (hg19) VCF-style: chr9-101602398-C-G.
Other names: short protein forms P443A.
Identifiers: ClinVar variation 1770035 (VCV001770035.3), dbSNP rs201667596, ClinGen allele CA196829750.